The following is an entry in ClinVar:

NM_002430.3(MN1):c.3014T>C (p.Leu1005Pro)

Gene: MN1 (MN1 proto-oncogene, transcriptional regulator; minus strand). Cytogenetic location: 22q12.1.
Variant type: single nucleotide variant.
Coding change: c.3014T>C on transcript NM_002430.3 (MANE Select); coding-DNA position 3014, T replaced by C.
Protein change: p.Leu1005Pro; replaces leucine 1005 with proline.
Molecular consequence: missense variant.
Genome position (GRCh38, 1-based): chr22:27,797,530, A>G on the plus strand (T>C on the coding strand, the complement: MN1 is on the minus strand). VCF-style: chr22-27797530-A-G. GRCh37 (hg19) VCF-style: chr22-28193518-A-G.
Other names: short protein forms L1005P.
Identifiers: ClinVar variation 3363904 (VCV003363904.1).

ClinVar aggregate classification (germline): Uncertain significance (1 of 4 stars; one submission).

Submission:

GeneDx
Classification: Uncertain significance. Last evaluated: 2023-11-04. Review status: criteria provided, single submitter. Criteria: GeneDx Variant Classification Process June 2021. Collection method: clinical testing. Allele origin: germline. Affected: yes.
Comment: Not observed at significant frequency in large population cohorts (gnomAD); In silico analysis supports that this missense variant has a deleterious effect on protein structure/function; Has not been previously published as pathogenic or benign to our knowledge